The following is an entry in ClinVar:

ClinVar aggregate classification (germline): Uncertain significance (1 of 4 stars; one submission).

Conditions:
Inborn genetic diseases. Identifiers: MedGen C0950123, MeSH D030342.

gnomAD v4.1: 50 of 1,614,150 alleles (0.0031%); highest among the groups gnomAD compares: African/African-American, 0.004%; no homozygotes.

Submission:

Ambry Genetics
Classification: Uncertain significance for Inborn genetic diseases. Last evaluated: 2026-02-23. Review status: criteria provided, single submitter. Criteria: Ambry Variant Classification Scheme 2023. Collection method: clinical testing. Allele origin: germline.
Comment: The c.311+3A>C intronic alteration consists of a A to C substitution nucleotides after coding exon 3 in the TMEM222 gene. Based on data from gnomAD, the C allele has an overall frequency of 0.001% (4/282864) total alleles studied. The highest observed frequency was 0.003% (4/129188) of European (non-Finnish) alleles. Based on insufficient or conflicting evidence, the clinical significance of this alteration remains unclear.

NM_032125.3(TMEM222):c.311+3A>C

Gene: TMEM222 (transmembrane protein 222; plus strand). Cytogenetic location: 1p36.11.
Variant type: single nucleotide variant.
Coding change: c.311+3A>C on transcript NM_032125.3 (MANE Select); 3 bases into the intron after coding-DNA position 311, A replaced by C.
Molecular consequence: intron variant.
Genome position (GRCh38, 1-based): chr1:27,332,104, A>C. VCF-style: chr1-27332104-A-C. GRCh37 (hg19) VCF-style: chr1-27658595-A-C.
Identifiers: ClinVar variation 4830510 (VCV004830510.1).